The following is an entry in ClinVar:

NM_019892.6(INPP5E):c.949A>G (p.Ser317Gly)

Gene: INPP5E (inositol polyphosphate-5-phosphatase E; minus strand). Cytogenetic location: 9q34.3.
Variant type: single nucleotide variant.
Coding change: c.949A>G on transcript NM_019892.6 (MANE Select); coding-DNA position 949, A replaced by G.
Protein change: p.Ser317Gly; replaces serine 317 with glycine.
Molecular consequence: missense variant.
Genome position (GRCh38, 1-based): chr9:136,434,122, T>C on the plus strand (A>G on the coding strand, the complement: INPP5E is on the minus strand). VCF-style: chr9-136434122-T-C. GRCh37 (hg19) VCF-style: chr9-139328574-T-C.
Other names: c.949A>G, p.Ser317Gly (NM_001318502.2); short protein forms S317G.
Identifiers: ClinVar variation 836415 (VCV000836415.11), dbSNP rs1186646391, ClinGen allele CA375565189.
Genomic context (GRCh38, chr9:136,434,122, plus strand): 5'-CGATGACATACAGGTCCTGGGCATAGTCGGCCTCGGCTGGGAGCAGGAACTCGTCCAGGC[T>C]GGGCGGGAGCTCCTGGAAGGAGGGAGCATGTGGTGGGCCGGCTCCTCCCGAAACCTGCAG-3'
Protein context (NP_063945.2, residues 307-327): NMQGQKELPP[Ser317Gly]LDEFLLPAEA

ClinVar aggregate classification (germline): Uncertain significance. Review status: criteria provided, multiple submitters, no conflicts (2 of 4 stars). 2 submissions from 2 submitters: Uncertain significance (2). Last evaluated 2025-03-17.

Conditions:
Inborn genetic diseases. Identifiers: MedGen C0950123, MeSH D030342.
Joubert syndrome. Also called: CEREBELLOPARENCHYMAL DISORDER IV; JOUBERT-BOLTSHAUSER SYNDROME; Familial aplasia of the vermis. Identifiers: Orphanet 475, MedGen C5979921, MONDO:0018772.

gnomAD v4.1: 5 of 1,608,092 alleles (0.00031%); highest among the groups gnomAD compares: Middle Eastern, 0.017%; no homozygotes.

Submissions (2):

Labcorp Genetics (formerly Invitae), Labcorp
Classification: Uncertain significance for Joubert syndrome. Last evaluated: 2025-03-17. Review status: criteria provided, single submitter. Criteria: Invitae Variant Classification Sherloc (09022015). Collection method: clinical testing. Allele origin: germline.
Comment: This sequence change replaces serine, which is neutral and polar, with glycine, which is neutral and non-polar, at codon 317 of the INPP5E protein (p.Ser317Gly). This variant is not present in population databases (gnomAD no frequency). This variant has not been reported in the literature in individuals affected with INPP5E-related conditions. ClinVar contains an entry for this variant (Variation ID: 836415). Invitae Evidence Modeling of protein sequence and biophysical properties (such as structural, functional, and spatial information, amino acid conservation, physicochemical variation, residue mobility, and thermodynamic stability) indicates that this missense variant is not expected to disrupt INPP5E protein function with a negative predictive value of 95%. In summary, the available evidence is currently insufficient to determine the role of this variant in disease. Therefore, it has been classified as a Variant of Uncertain Significance.

Ambry Genetics
Classification: Uncertain significance for Inborn genetic diseases. Last evaluated: 2021-07-27. Review status: criteria provided, single submitter. Criteria: Ambry Variant Classification Scheme 2023. Collection method: clinical testing. Allele origin: germline.